The following is an entry in ClinVar:

ClinVar aggregate classification (germline): Uncertain significance (1 of 4 stars; one submission).

Submission:

Labcorp Genetics (formerly Invitae), Labcorp
Classification: Uncertain significance. Last evaluated: 2022-06-04. Review status: criteria provided, single submitter. Criteria: Invitae Variant Classification Sherloc (09022015). Collection method: clinical testing. Allele origin: germline.
Comment: In summary, the available evidence is currently insufficient to determine the role of this variant in disease. Therefore, it has been classified as a Variant of Uncertain Significance. Variants that disrupt the consensus splice site are a relatively common cause of aberrant splicing (PMID: 17576681, 9536098). Algorithms developed to predict the effect of sequence changes on RNA splicing suggest that this variant is not likely to affect RNA splicing. This variant has not been reported in the literature in individuals affected with SI-related conditions. This variant is not present in population databases (gnomAD no frequency). This sequence change falls in intron 7 of the SI gene. It does not directly change the encoded amino acid sequence of the SI protein. It affects a nucleotide within the consensus splice site.

Literature cited by the submitters: PubMed 17576681; PubMed 9536098.

NM_001041.4(SI):c.807+6A>G

Gene: SI (sucrase-isomaltase; minus strand). Cytogenetic location: 3q26.1.
Variant type: single nucleotide variant.
Coding change: c.807+6A>G on transcript NM_001041.4 (MANE Select); 6 bases into the intron after coding-DNA position 807, A replaced by G.
Molecular consequence: intron variant.
Genome position (GRCh38, 1-based): chr3:165,065,255, T>C on the plus strand (A>G on the coding strand, the complement: SI is on the minus strand). VCF-style: chr3-165065255-T-C. GRCh37 (hg19) VCF-style: chr3-164783043-T-C.
Identifiers: ClinVar variation 2133393 (VCV002133393.4), dbSNP rs2473426556, ClinGen allele CA2580069033.
Genomic context (GRCh38, chr3:165,065,255, plus strand): 5'-TATGCTAAGATTTTCATCTGCTGCAATATAGTGATTTTATTTATAACAAGAAAAATAATT[T>C]CTTACATCACCAGGAAGTTGGTCTCGAGTAAAAATTGGCCATGTTTTCCAGGATAAATCA-3'